The following is an entry in ClinVar:

NM_002529.4(NTRK1):c.808G>A (p.Asp270Asn)

Gene: NTRK1 (neurotrophic receptor tyrosine kinase 1; plus strand). Cytogenetic location: 1q23.1.
Variant type: single nucleotide variant.
Coding change: c.808G>A on transcript NM_002529.4 (MANE Select); coding-DNA position 808, G replaced by A.
Protein change: p.Asp270Asn; replaces aspartic acid 270 with asparagine.
Molecular consequence: missense variant.
Genome position (GRCh38, 1-based): chr1:156,871,713, G>A. VCF-style: chr1-156871713-G-A. GRCh37 (hg19) VCF-style: chr1-156841505-G-A.
Other names: c.808G>A (NM_002529.3); c.718G>A, p.Asp240Asn (NM_001007792.1); c.808G>A, p.Asp270Asn (NM_001012331.2); short protein forms D240N, D270N.
Identifiers: ClinVar variation 665609 (VCV000665609.15), dbSNP rs145222195, ClinGen allele CA1169096.
Genomic context (GRCh38, chr1:156,871,713, plus strand): 5'-ACCCTGGCCAATGTCACCAGTGACCTCAACAGGAAGAACGTGACGTGCTGGGCAGAGAAC[G>A]ATGTGGGCCGGGCAGAGGTCTCTGTTCAGGTCAACGTCTCCTGTGAGTCTCAGTGGCAGC-3'
Protein context (NP_002520.2, residues 260-280): RKNVTCWAEN[Asp270Asn]VGRAEVSVQV

ClinVar aggregate classification (germline): Conflicting classifications of pathogenicity. Review status: criteria provided, conflicting classifications (1 of 4 stars). 5 submissions from 5 submitters: Uncertain significance (3); Likely benign (1). 1 of the submissions does not count toward it. Last evaluated 2025-12-26.

Conditions:
Inborn genetic diseases. Identifiers: MedGen C0950123, MeSH D030342.
NTRK1-related disorder. Also called: NTRK1-related condition.
Hereditary insensitivity to pain with anhidrosis (CIPA). Also called: NTRK1 Congenital Insensitivity to Pain with Anhidrosis; HSAN Type IV; FAMILIAL DYSAUTONOMIA, TYPE II; hereditary sensory and autonomic neuropathy type 4; INSENSITIVITY TO PAIN, CONGENITAL, WITH ANHIDROSIS; NEUROPATHY, CONGENITAL SENSORY, WITH ANHIDROSIS. Identifiers: Orphanet 642, MedGen C0020074, MONDO:0009746, OMIM 256800.

Allele frequency attached by ClinVar (database versions not stated): gnomAD exomes 0.00004 and 0.00002; ExAC 0.00005; TOPMed 0.00006; ESP Exome Variant Server 0.00015; 1000 Genomes Project 30x 0.00016; 1000 Genomes Project 0.00020; gnomAD 0.00003.
gnomAD v4.1: 29 of 1,614,208 alleles (0.0018%); highest among the groups gnomAD compares: African/African-American, 0.023%; no homozygotes.

Submissions (5):

Labcorp Genetics (formerly Invitae), Labcorp
Classification: Likely benign for Hereditary insensitivity to pain with anhidrosis. Last evaluated: 2025-12-26. Review status: criteria provided, single submitter. Criteria: Invitae Variant Classification Sherloc (09022015). Collection method: clinical testing. Allele origin: germline.

PreventionGenetics, part of Exact Sciences
Classification: Uncertain significance for NTRK1-related condition. Last evaluated: 2025-12-22. Review status: criteria provided, single submitter. Criteria: ACMG Guidelines, 2015. Collection method: clinical testing. Allele origin: germline.
Comment: The NTRK1 c.808G>A variant is predicted to result in the amino acid substitution p.Asp270Asn. To our knowledge, this variant has not been reported in the literature. This variant is reported in 0.040% of alleles in individuals of African descent in gnomAD. At this time, the clinical significance of this variant is uncertain due to the absence of conclusive functional and genetic evidence.

Ambry Genetics
Classification: Uncertain significance for Inborn genetic diseases. Last evaluated: 2024-12-16. Review status: criteria provided, single submitter. Criteria: Ambry Variant Classification Scheme 2023. Collection method: clinical testing. Allele origin: germline.

GeneDx
Classification: Uncertain significance. Last evaluated: 2022-05-09. Review status: criteria provided, single submitter. Criteria: GeneDx Variant Classification Process June 2021. Collection method: clinical testing. Allele origin: germline. Affected: yes.
Comment: In silico analysis supports that this missense variant does not alter protein structure/function; Has not been previously published as pathogenic or benign to our knowledge

Natera, Inc.
Classification: Uncertain significance for Hereditary insensitivity to pain with anhidrosis. Last evaluated: 2020-10-23. Review status: no assertion criteria provided. Collection method: clinical testing. Allele origin: germline. Not counted in ClinVar's aggregate classification.